The following is an entry in ClinVar:

ClinVar aggregate classification (germline): Pathogenic. Review status: reviewed by expert panel (3 of 4 stars). 5 submissions from 5 submitters: Pathogenic (1). 4 of the submissions do not count toward it. Last evaluated 2024-06-25.

Conditions:
Von Hippel-Lindau syndrome (VHLS). Also called: Von Hippel-Lindau; VHL syndrome; von Hippel–Lindau syndrome. Identifiers: Orphanet 892, MedGen C0019562, MONDO:0008667, OMIM 193300. Disease mechanism: loss of function.
Chuvash polycythemia. Also called: POLYCYTHEMIA, VHL-DEPENDENT. Identifiers: Orphanet 238557, MedGen C1837915, MONDO:0009892, OMIM 263400.

Submissions (5):

ClinGen VHL Variant Curation Expert Panel, ClinGen
Classification: Pathogenic for Von Hippel-Lindau syndrome. Last evaluated: 2024-06-25. Review status: reviewed by expert panel. Criteria: ClinGen VHL VCEP ACMG Specifications VHL V1. Collection method: curation. Allele origin: germline. Inheritance: Autosomal dominant inheritance.
Comment: The variant NM_000551.4(VHL):c.408del (p.Phe136fs) is a frameshift variant in a biologically relevant exon, altering the sequence starting at amino acid 136 and truncating 25 amino acids downstream. It is predicted to cause nonsense mediated decay (though not proven) and is in a critical domain (first beta domain, 63-155) of the protein (PVS1). Aronoff et al reports 5 affected family members with this variant. Proband III-I meets Danish criteria with pancreatic cyst or tumor, cerebellar haemangioblastoma and first degree member affected (1 point, PS4_Supporting. PMID:29437867). This variant is absent from gnomAD v4.1.0 (PM2_Supporting). In summary, this variant meets the criteria to be classified as Pathogenic for autosomal-dominant von Hippel Lindau syndrome (VHL syndrome) based on the ACMG/AMP criteria applied, as specified by the ClinGen VHL VCEP Version 1.0 (Specifications approval date: 02/26/2024. Variant Approval Date 06/25/2024).

Labcorp Genetics (formerly Invitae), Labcorp
Classification: Pathogenic for Von Hippel-Lindau syndrome; Chuvash polycythemia. Last evaluated: 2025-10-11. Review status: criteria provided, single submitter. Criteria: Invitae Variant Classification Sherloc (09022015). Collection method: clinical testing. Allele origin: germline. Not counted in ClinVar's aggregate classification.
Comment: This sequence change creates a premature translational stop signal (p.Phe136Leufs*23) in the VHL gene. While this is not anticipated to result in nonsense mediated decay, it is expected to disrupt the last 78 amino acid(s) of the VHL protein. This variant is not present in population databases (gnomAD no frequency). This premature translational stop signal has been observed in individual(s) with von Hippel-Lindau disease (PMID: 33720516). ClinVar contains an entry for this variant (Variation ID: 43601). Algorithms developed to predict the effect of sequence changes on RNA splicing suggest that this variant may disrupt the consensus splice site. This variant disrupts a region of the VHL protein in which other variant(s) (p.Phe136Ser) have been determined to be pathogenic (PMID: 7987306, 12202531, 12510195, 12624160, 15300849, 17024664, 34122352; internal data). This suggests that this is a clinically significant region of the protein, and that variants that disrupt it are likely to be disease-causing. For these reasons, this variant has been classified as Pathogenic.

Women's Health and Genetics/Laboratory Corporation of America, LabCorp
Classification: Pathogenic for Von Hippel-Lindau syndrome. Last evaluated: 2022-05-25. Review status: criteria provided, single submitter. Criteria: LabCorp Variant Classification Summary - May 2015. Collection method: clinical testing. Allele origin: germline. Not counted in ClinVar's aggregate classification.
Comment: Variant summary: VHL c.408delT (p.Phe136LeufsX23) results in a premature termination codon, predicted to cause a truncation of the encoded protein or absence of the protein due to nonsense mediated decay, which are commonly known mechanisms for disease. Truncations downstream of this position have been classified as pathogenic by our laboratory. The variant was absent in 251496 control chromosomes (gnomAD). c.408delT has been reported in the literature in multiple individuals affected with Von Hippel-Lindau Syndrome (e.g. Banks_2006, Krauss_2018, Aronoff_2018). These data indicate that the variant is likely to be associated with disease. To our knowledge, no experimental evidence demonstrating an impact on protein function has been reported. One clinical diagnostic laboratory has submitted clinical-significance assessments for this variant to ClinVar after 2014 without evidence for independent evaluation, and classified the variant as pathogenic. Based on the evidence outlined above, the variant was classified as pathogenic.

PreventionGenetics, part of Exact Sciences
Classification: Pathogenic. Last evaluated: 2016-11-22. Review status: criteria provided, single submitter. Criteria: ACMG Guidelines, 2015. Collection method: clinical testing. Allele origin: germline. Not counted in ClinVar's aggregate classification.

Laboratory for Molecular Medicine, Mass General Brigham Personalized Medicine
Classification: Pathogenic for Von Hippel-Lindau syndrome. Last evaluated: 2014-02-13. Review status: criteria provided, single submitter. Criteria: LMM Criteria. Collection method: clinical testing. Allele origin: germline. Inheritance: Autosomal dominant inheritance. Observed: 5 variant alleles. Not counted in ClinVar's aggregate classification.
Comment: The p.Phe136fs variant in VHL has been reported as a somatic change occurring in renal cell carcinoma (Brauch 1999, Brauch 2004, Houweligen 2005, Banks 2006, Fo rmenti 2011). This framesh ift variant is predicted to alter the protein?s amino acid sequence beginning at position 136 and lead to a premature termination codon 23 amino acids downstrea m. This alteration is then predicted to lead to a truncated or absent protein. H eterozygous loss of function of the VHL gene is an established disease mechanism in VHL. In summary, this variant meets our criteria to be classified as pathoge nic for autosomal dominant VHL.

Literature cited by the submitters: PubMed 33720516 (cited by Labcorp Genetics (formerly Invitae), Labcorp); PubMed 7987306 (cited by Labcorp Genetics (formerly Invitae), Labcorp); PubMed 12202531 (cited by Labcorp Genetics (formerly Invitae), Labcorp); PubMed 12510195 (cited by Labcorp Genetics (formerly Invitae), Labcorp); PubMed 12624160 (cited by Labcorp Genetics (formerly Invitae), Labcorp); PubMed 15300849 (cited by Labcorp Genetics (formerly Invitae), Labcorp); PubMed 17024664 (cited by Labcorp Genetics (formerly Invitae), Labcorp); PubMed 34122352 (cited by Labcorp Genetics (formerly Invitae), Labcorp); PubMed 16488999 (cited by Women's Health and Genetics/Laboratory Corporation of America, LabCorp and Laboratory for Molecular Medicine, Mass General Brigham Personalized Medicine); PubMed 21389259 (cited by Women's Health and Genetics/Laboratory Corporation of America, LabCorp and Laboratory for Molecular Medicine, Mass General Brigham Personalized Medicine); PubMed 29437867 (cited by Women's Health and Genetics/Laboratory Corporation of America, LabCorp); PubMed 29748190 (cited by Women's Health and Genetics/Laboratory Corporation of America, LabCorp); PubMed 31368132 (cited by Women's Health and Genetics/Laboratory Corporation of America, LabCorp); PubMed 10340905 (cited by Laboratory for Molecular Medicine, Mass General Brigham Personalized Medicine); PubMed 15932632 (cited by Laboratory for Molecular Medicine, Mass General Brigham Personalized Medicine); PubMed 15177666 (cited by Laboratory for Molecular Medicine, Mass General Brigham Personalized Medicine).

NM_000551.4(VHL):c.408del (p.Phe136fs)

Genes: VHL (von Hippel-Lindau tumor suppressor; plus strand), LOC107303340 (3p25 von Hippel-Lindau tumor suppressor, E3 ubiquitin protein ligase Alu-mediated recombination region; plus strand). Cytogenetic location: 3p25.3.
Variant type: Deletion.
Coding change: c.408del on transcript NM_000551.4 (MANE Select); coding-DNA position 408, one base deleted (T; older notation c.408delT).
Protein change: p.Phe136fs; shifts the reading frame from phenylalanine 136.
Molecular consequence: frameshift variant. On other transcripts: intron variant (2).
Genome position (GRCh38, 1-based): chr3:10,146,581, T deleted; the last of 3 consecutive T bases (chr3:10,146,579-10,146,581); deleting any one gives the same sequence. VCF-style (leftmost placement, unchanged base first): chr3-10146578-AT-A. GRCh37 (hg19) VCF-style: chr3-10188262-AT-A.
Other names: NM_000551.4(VHL):c.408del; c.408delT (NM_000551.3); c.*18-3206del (NM_001354723.2); c.341-3206del (NM_198156.3); short protein forms F136fs.
Identifiers: ClinVar variation 43601 (VCV000043601.10), dbSNP rs397516442, ClinGen allele CA020343.